The following is an entry in ClinVar:

NM_001375524.1(TRRAP):c.8772C>T (p.Arg2924=)

Gene: TRRAP (transformation/transcription domain associated protein; plus strand). Cytogenetic location: 7q22.1.
Variant type: single nucleotide variant.
Coding change: c.8772C>T on transcript NM_001375524.1 (MANE Select); coding-DNA position 8772, C replaced by T.
Protein change: p.Arg2924=; no amino-acid change (arginine 2924 retained).
Molecular consequence: synonymous variant.
Genome position (GRCh38, 1-based): chr7:98,981,906, C>T. VCF-style: chr7-98981906-C-T. GRCh37 (hg19) VCF-style: chr7-98579529-C-T.
Other names: c.8751C>T, p.Arg2917= (NM_001244580.2); c.8697C>T, p.Arg2899= (NM_003496.4).
Identifiers: ClinVar variation 1933387 (VCV001933387.6), dbSNP rs374891167, ClinGen allele CA4361531.
Genomic context (GRCh38, chr7:98,981,906, plus strand): 5'-GGAGCAGCAGCTCAGCTTCATCGAGCGCCTGGTGGAGATGGCCAGCAGCCTGGCCATCCG[C>T]GAGTGGCGGCGGCTGCCCCACGTAGTGTCCCACGTGCACACGCCTCTCCTACAGGTGCGT-3'
Protein context (NP_001362453.1, residues 2914-2934): LVEMASSLAI[Arg2924=]EWRRLPHVVS

ClinVar aggregate classification (germline): Uncertain significance (1 of 4 stars; one submission).

Allele frequency attached by ClinVar (database versions not stated): TOPMed 0.00001; gnomAD exomes 0.00002; ExAC 0.00003; gnomAD 0.00004; ESP Exome Variant Server 0.00008.

Submissions (2):

Labcorp Genetics (formerly Invitae), Labcorp
Classification: Uncertain significance. Last evaluated: 2025-02-24. Review status: criteria provided, single submitter. Criteria: Invitae Variant Classification Sherloc (09022015). Collection method: clinical testing. Allele origin: germline.
Comment: This sequence change affects codon 2899 of the TRRAP mRNA. It is a 'silent' change, meaning that it does not change the encoded amino acid sequence of the TRRAP protein. This variant is present in population databases (rs374891167, gnomAD 0.004%). This variant has not been reported in the literature in individuals affected with TRRAP-related conditions. ClinVar contains an entry for this variant (Variation ID: 1933387). Algorithms developed to predict the effect of sequence changes on RNA splicing suggest that this variant may disrupt the consensus splice site. In summary, the available evidence is currently insufficient to determine the role of this variant in disease. Therefore, it has been classified as a Variant of Uncertain Significance.

Dr. Peter K. Rogan Lab, Western University
No classification provided (evidence only). Condition: Melanoma. Review status: no classification provided. Collection method: in vitro. Allele origin: not applicable. Functional consequence: retained intron. Not counted in ClinVar's aggregate classification.